The following is an entry in ClinVar:

ClinVar aggregate classification (germline): Uncertain significance (1 of 4 stars; one submission).

Allele frequency attached by ClinVar (database versions not stated): TOPMed below 0.00001; gnomAD 0.00001.

Submission:

Labcorp Genetics (formerly Invitae), Labcorp
Classification: Uncertain significance. Last evaluated: 2022-10-13. Review status: criteria provided, single submitter. Criteria: Invitae Variant Classification Sherloc (09022015). Collection method: clinical testing. Allele origin: germline.
Comment: In summary, the available evidence is currently insufficient to determine the role of this variant in disease. Therefore, it has been classified as a Variant of Uncertain Significance. Advanced modeling of protein sequence and biophysical properties (such as structural, functional, and spatial information, amino acid conservation, physicochemical variation, residue mobility, and thermodynamic stability) performed at Invitae indicates that this missense variant is not expected to disrupt KMT2A protein function. This variant has not been reported in the literature in individuals affected with KMT2A-related conditions. This variant is not present in population databases (gnomAD no frequency). This sequence change replaces methionine, which is neutral and non-polar, with lysine, which is basic and polar, at codon 1718 of the KMT2A protein (p.Met1718Lys).

NM_001197104.2(KMT2A):c.5153T>A (p.Met1718Lys)

Gene: KMT2A (lysine methyltransferase 2A; plus strand). Cytogenetic location: 11q23.3.
Variant type: single nucleotide variant.
Coding change: c.5153T>A on transcript NM_001197104.2 (MANE Select); coding-DNA position 5153, T replaced by A.
Protein change: p.Met1718Lys; replaces methionine 1718 with lysine.
Molecular consequence: missense variant.
Genome position (GRCh38, 1-based): chr11:118,493,205, T>A. VCF-style: chr11-118493205-T-A. GRCh37 (hg19) VCF-style: chr11-118363920-T-A.
Other names: c.5243T>A, p.Met1748Lys (NM_001412597.1); c.5144T>A, p.Met1715Lys (NM_005933.4); short protein forms M1718K, M1715K, M1748K.
Identifiers: ClinVar variation 2846480 (VCV002846480.3), dbSNP rs1423883889, ClinGen allele CA382837196.